The following is an entry in ClinVar:

NM_001042492.3(NF1):c.5195C>G (p.Ala1732Gly)

Gene: NF1 (neurofibromin 1; plus strand). Cytogenetic location: 17q11.2.
Variant type: single nucleotide variant.
Coding change: c.5195C>G on transcript NM_001042492.3 (MANE Select); coding-DNA position 5195, C replaced by G.
Protein change: p.Ala1732Gly; replaces alanine 1732 with glycine.
Molecular consequence: missense variant.
Genome position (GRCh38, 1-based): chr17:31,326,179, C>G. VCF-style: chr17-31326179-C-G. GRCh37 (hg19) VCF-style: chr17-29653197-C-G.
Other names: c.5132C>G, p.Ala1711Gly (NM_000267.4); short protein forms A1711G, A1732G.
Identifiers: ClinVar variation 404506 (VCV000404506.11), dbSNP rs202037436, ClinGen allele CA16615647.

ClinVar aggregate classification (germline): Uncertain significance. Review status: criteria provided, multiple submitters, no conflicts (2 of 4 stars). 3 submissions from 3 submitters: Uncertain significance (3). Last evaluated 2026-09-04.

Conditions:
Hereditary cancer-predisposing syndrome. Also called: Neoplastic Syndromes, Hereditary; Hereditary Cancer Syndrome; Tumor predisposition; Hereditary neoplastic syndrome. Identifiers: Orphanet 140162, MedGen C0027672, MeSH D009386, MONDO:0015356.
Cardiovascular phenotype. Identifiers: MedGen CN230736.
Neurofibromatosis, type 1 (NF1). Also called: VON RECKLINGHAUSEN DISEASE; Neurofibromatosis, type I; NEUROFIBROMATOSIS, TYPE I, SOMATIC; Peripheral type neurofibromatosis. Identifiers: Orphanet 636, MedGen C0027831, MONDO:0018975, OMIM 162200. Disease mechanism: loss of function.

Allele frequency attached by ClinVar (database versions not stated): TOPMed below 0.00001; gnomAD exomes below 0.00001.
gnomAD v4.1: 3 of 1,613,270 alleles (0.00019%); highest among the groups gnomAD compares: Non-Finnish European, 0.00025%; no homozygotes.

Submissions (3):

Ambry Genetics
Classification: Uncertain significance for Cardiovascular phenotype; Hereditary cancer-predisposing syndrome. Last evaluated: 2026-09-04. Review status: criteria provided, single submitter. Criteria: Ambry Variant Classification Scheme 2023. Collection method: clinical testing. Allele origin: germline.
Comment: The p.A1711G variant (also known as c.5132C>G), located in coding exon 36 of the NF1 gene, results from a C to G substitution at nucleotide position 5132. The alanine at codon 1711 is replaced by glycine, an amino acid with similar properties. While this exact alteration has not been reported in the literature, a different alteration impacting the same codon, p.Ala1711Pro, was identified in a cohort of 378 individuals with suspected or clinically diagnosed neurofibromatosis type 1 (Xu W et al. Int. J. Mol. Med., 2014 Jul;34:53-60). This amino acid position is highly conserved in available vertebrate species. In addition, this alteration is predicted to be tolerated by in silico analysis. Based on the available evidence, the clinical significance of this variant remains unclear.

Labcorp Genetics (formerly Invitae), Labcorp
Classification: Uncertain significance for Neurofibromatosis, type 1. Last evaluated: 2025-06-03. Review status: criteria provided, single submitter. Criteria: Invitae Variant Classification Sherloc (09022015). Collection method: clinical testing. Allele origin: germline.
Comment: This sequence change replaces alanine, which is neutral and non-polar, with glycine, which is neutral and non-polar, at codon 1711 of the NF1 protein (p.Ala1711Gly). This variant is not present in population databases (gnomAD no frequency). This variant has not been reported in the literature in individuals affected with NF1-related conditions. ClinVar contains an entry for this variant (Variation ID: 404506). Invitae Evidence Modeling of protein sequence and biophysical properties (such as structural, functional, and spatial information, amino acid conservation, physicochemical variation, residue mobility, and thermodynamic stability) indicates that this missense variant is not expected to disrupt NF1 protein function with a negative predictive value of 95%. In summary, the available evidence is currently insufficient to determine the role of this variant in disease. Therefore, it has been classified as a Variant of Uncertain Significance.

Genome-Nilou Lab
Classification: Uncertain significance for Neurofibromatosis, type 1. Last evaluated: 2022-03-15. Review status: criteria provided, single submitter. Criteria: ACMG Guidelines, 2015. Collection method: clinical testing. Allele origin: germline. Affected: no.

Literature cited by the submitters: PubMed 24789688 (cited by Ambry Genetics).